The following is an entry in ClinVar:

NM_014244.5(ADAMTS2):c.3007C>T (p.Arg1003Cys)

Gene: ADAMTS2 (ADAM metallopeptidase with thrombospondin type 1 motif 2; minus strand). Cytogenetic location: 5q35.3.
Variant type: single nucleotide variant.
Coding change: c.3007C>T on transcript NM_014244.5 (MANE Select); coding-DNA position 3007, C replaced by T.
Protein change: p.Arg1003Cys; replaces arginine 1003 with cysteine.
Molecular consequence: missense variant.
Genome position (GRCh38, 1-based): chr5:179,122,725, G>A on the plus strand (C>T on the coding strand, the complement: ADAMTS2 is on the minus strand). VCF-style: chr5-179122725-G-A. GRCh37 (hg19) VCF-style: chr5-178549726-G-A.
Other names: short protein forms R1003C.
Identifiers: ClinVar variation 4810447 (VCV004810447.1).

ClinVar aggregate classification (germline): Uncertain significance (1 of 4 stars; one submission).

Conditions:
Ehlers-Danlos syndrome, dermatosparaxis type. Also called: EDS VIIC; Dermatosparaxis; Ehlers-Danlos syndrome, type VII, autosomal recessive. Identifiers: Orphanet 1901, MedGen C2700425, MONDO:0009161, OMIM 225410.

gnomAD v4.1: 19 of 1,552,812 alleles (0.0012%); highest among the groups gnomAD compares: Admixed American, 0.0098%; no homozygotes.

Submission:

Labcorp Genetics (formerly Invitae), Labcorp
Classification: Uncertain significance for Ehlers-Danlos syndrome, dermatosparaxis type. Last evaluated: 2025-04-30. Review status: criteria provided, single submitter. Criteria: Invitae Variant Classification Sherloc (09022015). Collection method: clinical testing. Allele origin: germline.
Comment: This sequence change replaces arginine, which is basic and polar, with cysteine, which is neutral and slightly polar, at codon 1003 of the ADAMTS2 protein (p.Arg1003Cys). This variant is present in population databases (rs750505827, gnomAD 0.008%). This variant has not been reported in the literature in individuals affected with ADAMTS2-related conditions. An algorithm developed to predict the effect of missense changes on protein structure and function (PolyPhen-2) suggests that this variant is likely to be disruptive. In summary, the available evidence is currently insufficient to determine the role of this variant in disease. Therefore, it has been classified as a Variant of Uncertain Significance.